The following is an entry in ClinVar:

ClinVar aggregate classification (germline): Uncertain significance. Review status: criteria provided, multiple submitters, no conflicts (2 of 4 stars). 2 submissions from 2 submitters: Uncertain significance (2). Last evaluated 2023-08-05.

Conditions:
Epileptic encephalopathy. Identifiers: MedGen C0543888, HP:0200134.

Allele frequency attached by ClinVar (database versions not stated): ExAC 0.00001; TOPMed 0.00002; gnomAD 0.00003.
gnomAD v4.1: 17 of 1,612,610 alleles (0.0011%); highest among the groups gnomAD compares: East Asian, 0.013%; no homozygotes.

Submissions (2):

Labcorp Genetics (formerly Invitae), Labcorp
Classification: Uncertain significance for Epileptic encephalopathy. Last evaluated: 2023-08-05. Review status: criteria provided, single submitter. Criteria: Invitae Variant Classification Sherloc (09022015). Collection method: clinical testing. Allele origin: germline.
Comment: This variant is present in population databases (rs758697351, gnomAD 0.004%). This variant has not been reported in the literature in individuals affected with FASN-related conditions. An algorithm developed to predict the effect of missense changes on protein structure and function (PolyPhen-2) suggests that this variant is likely to be disruptive. In summary, the available evidence is currently insufficient to determine the role of this variant in disease. Therefore, it has been classified as a Variant of Uncertain Significance. This sequence change replaces arginine, which is basic and polar, with cysteine, which is neutral and slightly polar, at codon 1765 of the FASN protein (p.Arg1765Cys).

Ambry Genetics
Classification: Uncertain significance. Last evaluated: 2023-07-25. Review status: criteria provided, single submitter. Criteria: Ambry Variant Classification Scheme 2023. Collection method: clinical testing. Allele origin: germline.

NM_004104.5(FASN):c.5293C>T (p.Arg1765Cys)

Gene: FASN (fatty acid synthase; minus strand). Cytogenetic location: 17q25.3.
Variant type: single nucleotide variant.
Coding change: c.5293C>T on transcript NM_004104.5 (MANE Select); coding-DNA position 5293, C replaced by T.
Protein change: p.Arg1765Cys; replaces arginine 1765 with cysteine.
Molecular consequence: missense variant.
Genome position (GRCh38, 1-based): chr17:82,083,565, G>A on the plus strand (C>T on the coding strand, the complement: FASN is on the minus strand). VCF-style: chr17-82083565-G-A. GRCh37 (hg19) VCF-style: chr17-80041441-G-A.
Other names: short protein forms R1765C.
Identifiers: ClinVar variation 2603488 (VCV002603488.5), dbSNP rs758697351, ClinGen allele CA8851749.